The following is an entry in ClinVar:

ClinVar aggregate classification (germline): Uncertain significance (1 of 4 stars; one submission).

Conditions:
PHGDH deficiency. Identifiers: Orphanet 79351, MedGen C1866174, MONDO:0011152, OMIM 601815.

Allele frequency attached by ClinVar (database versions not stated): gnomAD exomes below 0.00001; TOPMed 0.00002.
gnomAD v4.1: 1 of 1,610,482 alleles (0.000062%); highest among the groups gnomAD compares: African/African-American, 0.0013%; no homozygotes.

Submission:

Labcorp Genetics (formerly Invitae), Labcorp
Classification: Uncertain significance for PHGDH deficiency. Last evaluated: 2022-03-27. Review status: criteria provided, single submitter. Criteria: Invitae Variant Classification Sherloc (09022015). Collection method: clinical testing. Allele origin: germline.
Comment: This sequence change replaces methionine, which is neutral and non-polar, with threonine, which is neutral and polar, at codon 477 of the PHGDH protein (p.Met477Thr). This variant is present in population databases (no rsID available, gnomAD 0.007%). This variant has not been reported in the literature in individuals affected with PHGDH-related conditions. Algorithms developed to predict the effect of missense changes on protein structure and function (SIFT, PolyPhen-2, Align-GVGD) all suggest that this variant is likely to be tolerated. In summary, the available evidence is currently insufficient to determine the role of this variant in disease. Therefore, it has been classified as a Variant of Uncertain Significance.

NM_006623.4(PHGDH):c.1430T>C (p.Met477Thr)

Gene: PHGDH (phosphoglycerate dehydrogenase; plus strand). Cytogenetic location: 1p12.
Variant type: single nucleotide variant.
Coding change: c.1430T>C on transcript NM_006623.4 (MANE Select); coding-DNA position 1430, T replaced by C.
Protein change: p.Met477Thr; replaces methionine 477 with threonine.
Molecular consequence: missense variant.
Genome position (GRCh38, 1-based): chr1:119,743,027, T>C. VCF-style: chr1-119743027-T-C. GRCh37 (hg19) VCF-style: chr1-120285650-T-C.
Other names: short protein forms M477T.
Identifiers: ClinVar variation 2175456 (VCV002175456.1), dbSNP rs1340812275, ClinGen allele CA341853972.